The following is an entry in ClinVar:

ClinVar aggregate classification (germline): Uncertain significance (1 of 4 stars; one submission).

gnomAD v4.1: 4 of 1,192,220 alleles (0.00034%); highest among the groups gnomAD compares: African/African-American, 0.0034%; no homozygotes.

Submission:

Labcorp Genetics (formerly Invitae), Labcorp
Classification: Uncertain significance. Last evaluated: 2024-11-26. Review status: criteria provided, single submitter. Criteria: Invitae Variant Classification Sherloc (09022015). Collection method: clinical testing. Allele origin: germline.
Comment: This sequence change replaces glycine, which is neutral and non-polar, with arginine, which is basic and polar, at codon 321 of the ARID1B protein (p.Gly321Arg). This variant is not present in population databases (gnomAD no frequency). This variant has not been reported in the literature in individuals affected with ARID1B-related conditions. Invitae Evidence Modeling of protein sequence and biophysical properties (such as structural, functional, and spatial information, amino acid conservation, physicochemical variation, residue mobility, and thermodynamic stability) indicates that this missense variant is not expected to disrupt ARID1B protein function with a negative predictive value of 95%. In summary, the available evidence is currently insufficient to determine the role of this variant in disease. Therefore, it has been classified as a Variant of Uncertain Significance.

NM_001374828.1(ARID1B):c.1210G>A (p.Gly404Arg)

Gene: ARID1B (AT-rich interaction domain 1B; plus strand). Cytogenetic location: 6q25.3.
Variant type: single nucleotide variant.
Coding change: c.1210G>A on transcript NM_001374828.1 (MANE Select); coding-DNA position 1210, G replaced by A.
Protein change: p.Gly404Arg; replaces glycine 404 with arginine.
Molecular consequence: missense variant.
Genome position (GRCh38, 1-based): chr6:156,778,890, G>A. VCF-style: chr6-156778890-G-A. GRCh37 (hg19) VCF-style: chr6-157100024-G-A.
Other names: c.1210G>A, p.Gly404Arg (NM_001371656.1, NM_001374820.1, NM_017519.3); short protein forms G404R.
Identifiers: ClinVar variation 3715478 (VCV003715478.2).